The following is an entry in ClinVar:

NM_024675.4(PALB2):c.2316dup (p.Thr773fs)

Gene: PALB2 (partner and localizer of BRCA2; minus strand). Cytogenetic location: 16p12.2.
Variant type: Duplication.
Coding change: c.2316dup on transcript NM_024675.4 (MANE Select); coding-DNA position 2316, one base duplicated (T; older notation c.2316dupT).
Protein change: p.Thr773fs; shifts the reading frame from threonine 773.
Molecular consequence: frameshift variant. On other transcripts: intron variant (1).
Genome position (GRCh38, 1-based): chr16:23,629,838, A duplicated on the plus strand (T on the coding strand, the reverse complement: PALB2 is on the minus strand). VCF-style (leftmost placement, unchanged base first): chr16-23629837-T-TA. GRCh37 (hg19) VCF-style: chr16-23641158-T-TA.
Other names: c.2256dup, p.Thr753fs (NM_001407296.1); c.2316dup, p.Thr773fs (NM_001407297.1, NM_001407298.1, NM_001407299.1 and 3 more transcripts); c.1431dup, p.Thr478fs (NM_001407304.1, NM_001407305.1, NM_001407306.1 and 5 more transcripts); c.528dup, p.Thr177fs (NM_001407312.1, NM_001407313.1); c.49-563dup (NM_001407314.1); c.2316dupT (NM_024675.3); short protein forms T478fs, T177fs, T753fs, T773fs.
Identifiers: ClinVar variation 4843732 (VCV004843732.1).
Genomic context (GRCh38, chr16:23,629,837, plus strand): 5'-CTGACACTTGCAGGGTGGTATGTGGTTTTGCTGGGCTGCCTGAACTGTCGAATTGTTTAG[T>TA]ATCACTGGCAAGACAGACTGAGTCTTTCAAATGAGCAAGTTGGGGTGTGCAGCAAGTTCG-3'

ClinVar aggregate classification (germline): Pathogenic (1 of 4 stars; one submission).

Conditions:
Hereditary cancer-predisposing syndrome. Also called: Neoplastic Syndromes, Hereditary; Tumor predisposition; Hereditary Cancer Syndrome; Hereditary neoplastic syndrome. Identifiers: Orphanet 140162, MedGen C0027672, MeSH D009386, MONDO:0015356.

Submission:

Ambry Genetics
Classification: Pathogenic for Hereditary cancer-predisposing syndrome. Last evaluated: 2025-12-26. Review status: criteria provided, single submitter. Criteria: Ambry Variant Classification Scheme 2023. Collection method: clinical testing. Allele origin: germline.
Comment: The c.2316dupT pathogenic mutation, located in coding exon 5 of the PALB2 gene, results from a duplication of T at nucleotide position 2316, causing a translational frameshift with a predicted alternate stop codon (p.T773Yfs*2). This variant is considered to be rare based on population cohorts in the Genome Aggregation Database (gnomAD). This alteration is expected to result in loss of function by premature protein truncation or nonsense-mediated mRNA decay. As such, this alteration is interpreted as a disease-causing mutation.